The following is an entry in ClinVar:

NM_000059.4(BRCA2):c.5374T>C (p.Ser1792Pro)

Gene: BRCA2 (BRCA2 DNA repair associated; plus strand). Cytogenetic location: 13q13.1.
Variant type: single nucleotide variant.
Coding change: c.5374T>C on transcript NM_000059.4 (MANE Select); coding-DNA position 5374, T replaced by C.
Protein change: p.Ser1792Pro; replaces serine 1792 with proline.
Molecular consequence: missense variant.
Genome position (GRCh38, 1-based): chr13:32,339,729, T>C. VCF-style: chr13-32339729-T-C. GRCh37 (hg19) VCF-style: chr13-32913866-T-C.
Other names: c.5374T>C (NM_000059.3); short protein forms S1792P.
Identifiers: ClinVar variation 1039462 (VCV001039462.15), dbSNP rs2072527957, ClinGen allele CA387785161.

ClinVar aggregate classification (germline): Conflicting classifications of pathogenicity. Review status: criteria provided, conflicting classifications (1 of 4 stars). 4 submissions from 4 submitters: Uncertain significance (2); Likely benign (2). Last evaluated 2025-12-29.

Conditions:
Hereditary cancer-predisposing syndrome. Also called: Neoplastic Syndromes, Hereditary; Hereditary Cancer Syndrome; Tumor predisposition; Hereditary neoplastic syndrome. Identifiers: Orphanet 140162, MedGen C0027672, MeSH D009386, MONDO:0015356.
Hereditary breast ovarian cancer syndrome. Also called: Hereditary breast and ovarian cancer syndrome; Hereditary breast and ovarian cancer syndrome (HBOC); BRCA1- and BRCA2-Associated Hereditary Breast and Ovarian Cancer; Hereditary breast and ovarian cancer; Hereditary breast and/or ovarian cancer syndrome; Breast and ovarian cancer. Identifiers: Orphanet 145, MedGen C0677776, MeSH D061325, MONDO:0003582. Disease mechanism: loss of function.

Allele frequency attached by ClinVar (database versions not stated): gnomAD exomes below 0.00001.

Submissions (4):

Center for Genomic Medicine, Rigshospitalet, Copenhagen University Hospital
Classification: Likely benign. Last evaluated: 2025-12-29. Review status: criteria provided, single submitter. Criteria: ACMG Guidelines, 2015. Collection method: clinical testing. Allele origin: germline.
Comment: Classification criteria: BP1_strong

Ambry Genetics
Classification: Uncertain significance for Hereditary cancer-predisposing syndrome. Last evaluated: 2024-12-07. Review status: criteria provided, single submitter. Criteria: Ambry Variant Classification Scheme 2023. Collection method: clinical testing. Allele origin: germline.
Comment: The p.S1792P variant (also known as c.5374T>C), located in coding exon 10 of the BRCA2 gene, results from a T to C substitution at nucleotide position 5374. The serine at codon 1792 is replaced by proline, an amino acid with similar properties. This amino acid position is conserved. In addition, this alteration is predicted to be tolerated by in silico analysis. Based on the available evidence, the clinical significance of this variant remains unclear.

University of Washington Department of Laboratory Medicine, University of Washington
Classification: Likely benign for Hereditary cancer-predisposing syndrome. Last evaluated: 2023-03-23. Review status: criteria provided, single submitter. Criteria: Dines et al. (Genet Med. 2020). Collection method: curation. Allele origin: germline.
Comment: Missense variant in a coldspot region where missense variants are very unlikely to be pathogenic (PMID:31911673).

BRCA2 exon 11 coldspot. Reclassification based on statistical prior probability.

Labcorp Genetics (formerly Invitae), Labcorp
Classification: Uncertain significance for Hereditary breast ovarian cancer syndrome. Last evaluated: 2022-09-27. Review status: criteria provided, single submitter. Criteria: Invitae Variant Classification Sherloc (09022015). Collection method: clinical testing. Allele origin: germline.
Comment: This sequence change replaces serine, which is neutral and polar, with proline, which is neutral and non-polar, at codon 1792 of the BRCA2 protein (p.Ser1792Pro). This variant is not present in population databases (gnomAD no frequency). This variant has not been reported in the literature in individuals affected with BRCA2-related conditions. ClinVar contains an entry for this variant (Variation ID: 1039462). Advanced modeling of protein sequence and biophysical properties (such as structural, functional, and spatial information, amino acid conservation, physicochemical variation, residue mobility, and thermodynamic stability) performed at Invitae indicates that this missense variant is not expected to disrupt BRCA2 protein function. In summary, the available evidence is currently insufficient to determine the role of this variant in disease. Therefore, it has been classified as a Variant of Uncertain Significance.